The following is an entry in ClinVar:

NM_001297.5(CNGB1):c.1896C>T (p.Cys632=)

Gene: CNGB1 (cyclic nucleotide gated channel subunit beta 1; minus strand). Cytogenetic location: 16q21.
Variant type: single nucleotide variant.
Coding change: c.1896C>T on transcript NM_001297.5 (MANE Select); coding-DNA position 1896, C replaced by T.
Protein change: p.Cys632=; no amino-acid change (cysteine 632 retained).
Molecular consequence: synonymous variant.
Genome position (GRCh38, 1-based): chr16:57,919,160, G>A on the plus strand (C>T on the coding strand, the complement: CNGB1 is on the minus strand). VCF-style: chr16-57919160-G-A. GRCh37 (hg19) VCF-style: chr16-57953064-G-A.
Other names: c.1878C>T, p.Cys626= (NM_001286130.2).
Identifiers: ClinVar variation 4797092 (VCV004797092.1).
Genomic context (GRCh38, chr16:57,919,160, plus strand): 5'-GGTCAGCGGGTCAATGCTCTGGGGAAACTGGTACTTCTTCCAGGGGCGGTGTTTGAACTT[G>A]CAGCAGAGCATGTCGCAATAGTGCTCCTCTTCCACTGGCTCGGCTTCAGCGGGCTTTGTG-3'
Protein context (NP_001288.3, residues 622-642): EEEHYCDMLC[Cys632=]KFKHRPWKKY

ClinVar aggregate classification (germline): Uncertain significance (1 of 4 stars; one submission).

gnomAD v4.1: 1 of 1,614,196 alleles (0.000062%); highest among the groups gnomAD compares: Non-Finnish European, 0.000085%; no homozygotes.

Submission:

Labcorp Genetics (formerly Invitae), Labcorp
Classification: Uncertain significance. Last evaluated: 2025-10-27. Review status: criteria provided, single submitter. Criteria: Invitae Variant Classification Sherloc (09022015). Collection method: clinical testing. Allele origin: germline.
Comment: This sequence change affects codon 632 of the CNGB1 mRNA. It is a 'silent' change, meaning that it does not change the encoded amino acid sequence of the CNGB1 protein. This variant is not present in population databases (gnomAD no frequency). This variant has not been reported in the literature in individuals affected with CNGB1-related conditions. Algorithms developed to predict the effect of sequence changes on RNA splicing suggest that this variant may create or strengthen a splice site. In summary, the available evidence is currently insufficient to determine the role of this variant in disease. Therefore, it has been classified as a Variant of Uncertain Significance.